The following is an entry in ClinVar:

ClinVar aggregate classification (germline): Uncertain significance. Review status: criteria provided, multiple submitters, no conflicts (2 of 4 stars). 3 submissions from 3 submitters: Uncertain significance (3). Last evaluated 2025-09-22.

Allele frequency attached by ClinVar (database versions not stated): gnomAD 0.00044 and 0.00041; 1000 Genomes Project 0.00060; gnomAD exomes 0.00004 and 0.00008; TOPMed 0.00038; ExAC 0.00010; ESP Exome Variant Server 0.00023; 1000 Genomes Project 30x 0.00047.
gnomAD v4.1: 123 of 1,592,788 alleles (0.0077%); highest among the groups gnomAD compares: African/African-American, 0.089%; no homozygotes.

Submissions (3):

GeneDx
Classification: Uncertain significance. Last evaluated: 2025-09-22. Review status: criteria provided, single submitter. Criteria: GeneDx Variant Classification Process June 2021. Collection method: clinical testing. Allele origin: germline. Affected: yes.
Comment: Has not been previously published as pathogenic or benign to our knowledge; In silico analysis suggests that this missense variant does not alter protein structure/function

Blueprint Genetics
Classification: Uncertain significance. Last evaluated: 2024-09-09. Review status: criteria provided, single submitter. Criteria: ACMG Guidelines, 2015. Collection method: clinical testing. Allele origin: germline.

Labcorp Genetics (formerly Invitae), Labcorp
Classification: Uncertain significance. Last evaluated: 2022-10-13. Review status: criteria provided, single submitter. Criteria: Invitae Variant Classification Sherloc (09022015). Collection method: clinical testing. Allele origin: germline.
Comment: This sequence change replaces lysine, which is basic and polar, with glutamic acid, which is acidic and polar, at codon 364 of the TRAF3IP1 protein (p.Lys364Glu). This variant is present in population databases (rs142329442, gnomAD 0.08%). This variant has not been reported in the literature in individuals affected with TRAF3IP1-related conditions. ClinVar contains an entry for this variant (Variation ID: 940343). Algorithms developed to predict the effect of missense changes on protein structure and function are either unavailable or do not agree on the potential impact of this missense change (SIFT: "Deleterious"; PolyPhen-2: "Possibly Damaging"; Align-GVGD: "Class C0"). Algorithms developed to predict the effect of sequence changes on RNA splicing suggest that this variant may create or strengthen a splice site. In summary, the available evidence is currently insufficient to determine the role of this variant in disease. Therefore, it has been classified as a Variant of Uncertain Significance.

NM_015650.4(IFT54):c.1090A>G (p.Lys364Glu)

Gene: IFT54 (intraflagellar transport 54; plus strand). Cytogenetic location: 2q37.3.
Variant type: single nucleotide variant.
Coding change: c.1090A>G on transcript NM_015650.4 (MANE Select); coding-DNA position 1090, A replaced by G.
Protein change: p.Lys364Glu; replaces lysine 364 with glutamic acid.
Molecular consequence: missense variant. On other transcripts: intron variant (1).
Genome position (GRCh38, 1-based): chr2:238,338,388, A>G. VCF-style: chr2-238338388-A-G. GRCh37 (hg19) VCF-style: chr2-239247029-A-G.
Other names: c.1063+4353A>G (NM_001139490.1); short protein forms K364E.
Identifiers: ClinVar variation 940343 (VCV000940343.8), dbSNP rs142329442, ClinGen allele CA2198279.
Genomic context (GRCh38, chr2:238,338,388, plus strand): 5'-ATATTTTAATCTGTTGTTAACTATTTTATGTCAGGAAGGAAGGAGGATAATATTTCAGCT[A>G]AAAGTTTAGACTCCATAGTGTCTGGAATAAATAATGAGCCAAATCAGGAAACGACAACAT-3'
Protein context (NP_056465.2, residues 354-374): EGRKEDNISA[Lys364Glu]SLDSIVSGIN